The following is an entry in ClinVar:

NM_017739.4(POMGNT1):c.879+5G>T

Genes: TSPAN1 (tetraspanin 1; plus strand), POMGNT1 (protein O-linked mannose N-acetylglucosaminyltransferase 1 (beta 1,2-); minus strand). Cytogenetic location: 1p34.1.
Variant type: single nucleotide variant.
Coding change: c.879+5G>T on transcript NM_017739.4 (MANE Select); 5 bases into the intron after coding-DNA position 879, G replaced by T.
Molecular consequence: intron variant.
Genome position (GRCh38, 1-based): chr1:46,194,269, C>A on the plus strand (G>T on the coding strand, the complement: POMGNT1 is on the minus strand). VCF-style: chr1-46194269-C-A. GRCh37 (hg19) VCF-style: chr1-46659941-C-A.
Other names: c.879+5G>T (NM_001243766.2, NM_001438686.1, NM_001438688.1 and 3 more transcripts); c.813+5G>T (NM_001290129.3, NM_001438691.1, NM_001438692.1); c.450+5G>T (NM_001290130.2).
Identifiers: ClinVar variation 56609 (VCV000056609.4), dbSNP rs386834038, ClinGen allele CA263991.
Genomic context (GRCh38, chr1:46,194,269, plus strand): 5'-TTCCTGGGGCCCCCCTGCTGAGCTGGGAAGGAGTCCAAACCTCACTGTCTTAAGGCCCCA[C>A]TCACTGGGTCAGGGCTGAACTCGATGGGTGTGGGGTCCTTGCAGCTGCATACACTTCCAT-3'

ClinVar aggregate classification (germline): Likely pathogenic. Review status: criteria provided, single submitter (1 of 4 stars). 2 submissions from 2 submitters: Likely pathogenic (1). 1 of the submissions does not count toward it. Last evaluated 2023-01-24.

Conditions:
Muscle eye brain disease (MEB). Also called: Santavuori congenital muscular dystrophy. Identifiers: Orphanet 588, Orphanet 899, MedGen C0457133, MONDO:0018939.
Muscular dystrophy-dystroglycanopathy. Also called: Congenital muscular dystrophy due to dystroglycanopathy. Identifiers: Orphanet 370953, MedGen C5679911, MONDO:0018276.

Allele frequency attached by ClinVar (database versions not stated): gnomAD exomes below 0.00001.
gnomAD v4.1: 3 of 1,614,210 alleles (0.00019%); no homozygotes.

Submissions (2):

Broad Center for Mendelian Genomics, Broad Institute of MIT and Harvard
Classification: Likely pathogenic for Muscular dystrophy-dystroglycanopathy. Last evaluated: 2023-01-24. Review status: criteria provided, single submitter. Criteria: ACMG Guidelines, 2015. Collection method: curation. Allele origin: germline. Inheritance: Autosomal recessive inheritance.
Comment: The c.879+5G>T variant in POMGNT1 has been reported in the literature in one individual, in the compound heterozygous state, with muscular dystrophy-dystroglycanopathy(PMID: 15466003), and has been identified in 0.005% (1/21648) of European (non-Finnish) chromosomes by the Genome Aggregation Database (gnomAD; dbSNP ID: rs386834038). Although this variant has been seen in the general population in a heterozygous state, its frequency is low enough to be consistent with a recessive carrier frequency. This variant has also been reported in ClinVar (Variation ID#:56609) as probable-pathogenic by Juha Muilu Group (Institute for Molecular Medicine Finland (FIMM)). RT-PCR analysis performed on patient lymphoblastoid cell RNA showed possible evidence of intron retention resulting in premature termination, which is predicted to lead to a truncated or absent protein. (PMID: 15466003). This variant is located in the 5' splice region. Computational tools do suggest an impact to splicing. However, this information is not predictive enough to determine pathogenicity. In summary, although additional studies are required to fully establish its clinical significance, this variant is likely pathogenic for POMGNT1-associated muscular dystrophy-dystroglycanopathy. ACMG/AMP Criteria applied: PS3, PM2_Supporting, PM3_Supporting, PP3 (Richards 2015).

Juha Muilu Group; Institute for Molecular Medicine Finland (FIMM)
Classification: Likely pathogenic for Muscle eye brain disease. Review status: no assertion criteria provided. Collection method: not provided. Allele origin: unknown. Not counted in ClinVar's aggregate classification.
Comment: FinDis database variant: This variant was not found or characterized by our laboratory, data were collected from public sources: see reference
ClinVar note: Converted during submission from probable-pathogenic to Likely pathogenic.

Literature cited by the submitters: PubMed 15466003 (cited by Broad Center for Mendelian Genomics, Broad Institute of MIT and Harvard).